The following is an entry in ClinVar:

NM_002890.3(RASA1):c.1205G>C (p.Cys402Ser)

Genes: CCNH (cyclin H; minus strand), RASA1 (RAS p21 protein activator 1; plus strand). Cytogenetic location: 5q14.3.
Variant type: single nucleotide variant.
Coding change: c.1205G>C on transcript NM_002890.3 (MANE Select); coding-DNA position 1205, G replaced by C.
Protein change: p.Cys402Ser; replaces cysteine 402 with serine.
Molecular consequence: missense variant. On other transcripts: intron variant (1).
Genome position (GRCh38, 1-based): chr5:87,349,316, G>C. VCF-style: chr5-87349316-G-C. GRCh37 (hg19) VCF-style: chr5-86645133-G-C.
Other names: c.674G>C, p.Cys225Ser (NM_022650.3); c.934-36521C>G (NM_001364075.2); short protein forms C402S, C225S.
Identifiers: ClinVar variation 4717643 (VCV004717643.1).
Genomic context (GRCh38, chr5:87,349,316, plus strand): 5'-CTCCTGGCGATTATTCACTTTATTTCCGGACCAATGAAAATATTCAGCGATTTAAAATAT[G>C]TCCAACGCCAAACAATCAGTTTATGATGGGAGGCCGGTATTATAACAGGTAAATCATAAT-3'
Protein context (NP_002881.1, residues 392-412): TNENIQRFKI[Cys402Ser]PTPNNQFMMG

ClinVar aggregate classification (germline): Uncertain significance (1 of 4 stars; one submission).

Conditions:
Capillary malformation-arteriovenous malformation syndrome. Also called: Capillary malformation-arteriovenous malformation. Identifiers: Orphanet 137667, MedGen C1842180, MONDO:0012016.

Submission:

Labcorp Genetics (formerly Invitae), Labcorp
Classification: Uncertain significance for Capillary malformation-arteriovenous malformation syndrome. Last evaluated: 2025-04-17. Review status: criteria provided, single submitter. Criteria: Invitae Variant Classification Sherloc (09022015). Collection method: clinical testing. Allele origin: germline.
Comment: This sequence change replaces cysteine, which is neutral and slightly polar, with serine, which is neutral and polar, at codon 402 of the RASA1 protein (p.Cys402Ser). This variant is not present in population databases (gnomAD no frequency). This variant has not been reported in the literature in individuals affected with RASA1-related conditions. An algorithm developed to predict the effect of missense changes on protein structure and function (PolyPhen-2) suggests that this variant is likely to be tolerated. In summary, the available evidence is currently insufficient to determine the role of this variant in disease. Therefore, it has been classified as a Variant of Uncertain Significance.